The following is an entry in ClinVar:

ClinVar aggregate classification (germline): Uncertain significance (1 of 4 stars; one submission).

Conditions:
Pigmentary pallidal degeneration (NBIA1). Also called: Pantothenate Kinase-Associated Neurodegeneration; Neuroaxonal dystrophy, late infantile; Hallervorden-Spatz disease; PKAN NEUROAXONAL DYSTROPHY, JUVENILE-ONSET; HARP SYNDROME; Neurodegeneration with brain iron accumulation 1. Identifiers: Orphanet 157850, MedGen C0018523, MONDO:0009319, OMIM 234200.

Submission:

Labcorp Genetics (formerly Invitae), Labcorp
Classification: Uncertain significance for Pigmentary pallidal degeneration. Last evaluated: 2024-11-05. Review status: criteria provided, single submitter. Criteria: Invitae Variant Classification Sherloc (09022015). Collection method: clinical testing. Allele origin: germline.
Comment: This sequence change replaces serine, which is neutral and polar, with asparagine, which is neutral and polar, at codon 395 of the PANK2 protein (p.Ser395Asn). This variant is not present in population databases (gnomAD no frequency). This variant has not been reported in the literature in individuals affected with PANK2-related conditions. ClinVar contains an entry for this variant (Variation ID: 1482818). Invitae Evidence Modeling of protein sequence and biophysical properties (such as structural, functional, and spatial information, amino acid conservation, physicochemical variation, residue mobility, and thermodynamic stability) indicates that this missense variant is expected to disrupt PANK2 protein function with a positive predictive value of 95%. In summary, the available evidence is currently insufficient to determine the role of this variant in disease. Therefore, it has been classified as a Variant of Uncertain Significance.

NM_001386393.1(PANK2):c.854G>A (p.Ser285Asn)

Gene: PANK2 (pantothenate kinase 2; plus strand). Cytogenetic location: 20p13.
Variant type: single nucleotide variant.
Coding change: c.854G>A on transcript NM_001386393.1 (MANE Select); coding-DNA position 854, G replaced by A.
Protein change: p.Ser285Asn; replaces serine 285 with asparagine.
Molecular consequence: missense variant. On other transcripts: 5 prime UTR variant (1), non-coding transcript variant (1).
Genome position (GRCh38, 1-based): chr20:3,910,779, G>A. VCF-style: chr20-3910779-G-A. GRCh37 (hg19) VCF-style: chr20-3891426-G-A.
Other names: c.311G>A, p.Ser104Asn (NM_001324191.2, NM_024960.6, NM_153640.4); c.-125G>A (NM_001324193.2); c.1184G>A, p.Ser395Asn (NM_153638.4); short protein forms S104N, S285N, S395N.
Identifiers: ClinVar variation 1482818 (VCV001482818.6), dbSNP rs2146867465, ClinGen allele CA408115470.
Genomic context (GRCh38, chr20:3,910,779, plus strand): 5'-TACCATTTGATTTGAAAAATCCGTATCCTCTGCTTCTGGTGAACATTGGCTCAGGGGTTA[G>A]CATCTTAGCAGTATATTCCAAAGATAATTACAAACGGGTCACAGGTACTAGGTAAGTTGT-3'
Protein context (NP_001373322.1, residues 275-295): LLLVNIGSGV[Ser285Asn]ILAVYSKDNY